The following is an entry in ClinVar:

ClinVar aggregate classification (germline): Likely pathogenic (1 of 4 stars; one submission).

Conditions:
Developmental and epileptic encephalopathy, 9 (DEE9). Also called: EPILEPSY, FEMALE-RESTRICTED, WITH MENTAL RETARDATION; PCDH19-Related X-Linked Female-Limited Epilepsy with Mental Retardation; Early infantile epileptic encephalopathy 9; JUBERG-HELLMAN SYNDROME. Identifiers: Orphanet 101039, Orphanet 2076, MedGen C1848137, MONDO:0010246, OMIM 300088. Disease mechanism: loss of function.

Submission:

3billion
Classification: Likely pathogenic for Developmental and epileptic encephalopathy, 9. Last evaluated: 2021-10-02. Review status: criteria provided, single submitter. Criteria: ACMG Guidelines, 2015. Collection method: clinical testing. Allele origin: unknown. Affected: yes. Observed: 1 heterozygote.
Comment: Stop-gained (nonsense): predicted to result in a loss or disruption of normal protein function through nonsense-mediated decay (NMD) or protein truncation. Multiple pathogenic variants are reported downstream of the variant (PVS1_VS). It is not observed in the gnomAD v2.1.1 dataset (PM2). Therefore, this variant is classified as likely pathogenic according to the recommendation of ACMG/AMP guideline.

NM_001184880.2(PCDH19):c.83C>A (p.Ser28Ter)

Gene: PCDH19 (protocadherin 19; minus strand). Cytogenetic location: Xq22.1.
Variant type: single nucleotide variant.
Coding change: c.83C>A on transcript NM_001184880.2 (MANE Select); coding-DNA position 83, C replaced by A.
Protein change: p.Ser28Ter; replaces serine 28 with a stop codon.
Molecular consequence: nonsense.
Genome position (GRCh38, 1-based): chrX:100,408,515, G>T on the plus strand (C>A on the coding strand, the complement: PCDH19 is on the minus strand). VCF-style: chrX-100408515-G-T. GRCh37 (hg19) VCF-style: chrX-99663513-G-T.
Other names: c.83C>A, p.Ser28Ter (NM_001105243.2, NM_020766.3); short protein forms S28*.
Identifiers: ClinVar variation 1320228 (VCV001320228.1), dbSNP rs766962106, ClinGen allele CA414011412.